The following is an entry in ClinVar:

ClinVar aggregate classification (germline): Uncertain significance (1 of 4 stars; one submission).

Conditions:
Pontocerebellar hypoplasia, hypotonia, and respiratory insufficiency syndrome, neonatal lethal. Also called: PHRINL SYNDROME. Identifiers: Orphanet 615954, MedGen C5394137, MONDO:0032931, OMIM 618810.
Harel-Yoon syndrome (HAYOS). Also called: Optic atrophy-peripheral neuropathy-developmental delay syndrome. Identifiers: Orphanet 496790, MedGen C4310677, MONDO:0014958, OMIM 617183.

Submission:

Institute of Human Genetics, University of Goettingen
Classification: Uncertain significance for Harel-Yoon syndrome; Pontocerebellar hypoplasia, hypotonia, and respiratory insufficiency syndrome, neonatal lethal. Last evaluated: 2020-12-18. Review status: criteria provided, single submitter. Criteria: ACMG Guidelines, 2015. Collection method: clinical testing. Allele origin: de novo. Inheritance: Autosomal dominant inheritance. Observed: 1 heterozygote.
Comment: The variant c.736A>G (p.(Lys246Glu)) in exon 7 of the ATAD3A-gene is not found in known databases (ExAC or gnomAD), it affects a moderately conserved nucleotide, a highly conserved amino acid and there is a small physicochemical difference between Lys and Glu. This variant has a pathogenic computational verdict based on in silico prediction programs. ACMG criteria used for classification: PM2, PM6, PP3.

NM_001170535.3(ATAD3A):c.736A>G (p.Lys246Glu)

Gene: ATAD3A (ATPase family AAA domain containing 3A; plus strand). Cytogenetic location: 1p36.33.
Variant type: single nucleotide variant.
Coding change: c.736A>G on transcript NM_001170535.3 (MANE Select); coding-DNA position 736, A replaced by G.
Protein change: p.Lys246Glu; replaces lysine 246 with glutamic acid.
Molecular consequence: missense variant.
Genome position (GRCh38, 1-based): chr1:1,520,603, A>G. VCF-style: chr1-1520603-A-G. GRCh37 (hg19) VCF-style: chr1-1455983-A-G.
Other names: c.499A>G, p.Lys167Glu (NM_001170536.3); c.880A>G, p.Lys294Glu (NM_018188.5); short protein forms K167E, K246E, K294E.
Identifiers: ClinVar variation 992574 (VCV000992574.3), dbSNP rs1641555589, ClinGen allele CA337854593.